The following is an entry in ClinVar:

NM_002661.5(PLCG2):c.914A>G (p.Lys305Arg)

Gene: PLCG2 (phospholipase C gamma 2; plus strand). Cytogenetic location: 16q23.3.
Variant type: single nucleotide variant.
Coding change: c.914A>G on transcript NM_002661.5 (MANE Select); coding-DNA position 914, A replaced by G.
Protein change: p.Lys305Arg; replaces lysine 305 with arginine.
Molecular consequence: missense variant.
Genome position (GRCh38, 1-based): chr16:81,891,518, A>G. VCF-style: chr16-81891518-A-G. GRCh37 (hg19) VCF-style: chr16-81925123-A-G.
Other names: c.914A>G, p.Lys305Arg (NM_001425749.1, NM_001425750.1, NM_001425751.1); short protein forms K305R.
Identifiers: ClinVar variation 4808981 (VCV004808981.1).

ClinVar aggregate classification (germline): Uncertain significance (1 of 4 stars; one submission).

Conditions:
Familial cold autoinflammatory syndrome 3 (FCAS3). Also called: FAMILIAL ATYPICAL COLD URTICARIA; ANTIBODY DEFICIENCY AND IMMUNE DYSREGULATION, PLCG2-ASSOCIATED. Identifiers: Orphanet 300359, MedGen C3280914, MONDO:0013766, OMIM 614468.

Submission:

Labcorp Genetics (formerly Invitae), Labcorp
Classification: Uncertain significance for Familial cold autoinflammatory syndrome 3. Last evaluated: 2026-01-17. Review status: criteria provided, single submitter. Criteria: Invitae Variant Classification Sherloc (09022015). Collection method: clinical testing. Allele origin: germline.
Comment: This sequence change replaces lysine, which is basic and polar, with arginine, which is basic and polar, at codon 305 of the PLCG2 protein (p.Lys305Arg). This variant is not present in population databases (gnomAD no frequency). This variant has not been reported in the literature in individuals affected with PLCG2-related conditions. An algorithm developed to predict the effect of missense changes on protein structure and function (PolyPhen-2) suggests that this variant is likely to be disruptive. In summary, the available evidence is currently insufficient to determine the role of this variant in disease. Therefore, it has been classified as a Variant of Uncertain Significance.